The following is an entry in ClinVar:

ClinVar aggregate classification (germline): Uncertain significance (1 of 4 stars; one submission).

Conditions:
Cardiovascular phenotype. Identifiers: MedGen CN230736.

Submission:

Ambry Genetics
Classification: Uncertain significance for Cardiovascular phenotype. Last evaluated: 2017-06-07. Review status: criteria provided, single submitter. Criteria: Ambry Variant Classification Scheme 2023. Collection method: clinical testing. Allele origin: germline.
Comment: The p.S406R variant (also known as c.1218C>A), located in coding exon 13 of the MYBPC3 gene, results from a C to A substitution at nucleotide position 1218. The serine at codon 406 is replaced by arginine, an amino acid with dissimilar properties. This amino acid position is well conserved in available vertebrate species. In addition, this alteration is predicted to be tolerated by in silico analysis. Since supporting evidence is limited at this time, the clinical significance of this alteration remains unclear.

NM_000256.3(MYBPC3):c.1218C>A (p.Ser406Arg)

Gene: MYBPC3 (myosin binding protein C3; minus strand). Cytogenetic location: 11p11.2.
Variant type: single nucleotide variant.
Coding change: c.1218C>A on transcript NM_000256.3 (MANE Select); coding-DNA position 1218, C replaced by A.
Protein change: p.Ser406Arg; replaces serine 406 with arginine.
Molecular consequence: missense variant.
Genome position (GRCh38, 1-based): chr11:47,343,497, G>T on the plus strand (C>A on the coding strand, the complement: MYBPC3 is on the minus strand). VCF-style: chr11-47343497-G-T. GRCh37 (hg19) VCF-style: chr11-47365048-G-T.
Other names: c.1218C>A, p.Ser406Arg (LRG_386t1); short protein forms S406R.
Identifiers: ClinVar variation 520356 (VCV000520356.5), dbSNP rs748558425, ClinGen allele CA380328453.